The following is an entry in ClinVar:

ClinVar aggregate classification (germline): Pathogenic/Likely pathogenic. Review status: criteria provided, multiple submitters, no conflicts (2 of 4 stars). 2 submissions from 2 submitters: Pathogenic (1); Likely pathogenic (1). Last evaluated 2022-07-18.

Conditions:
Succinate-semialdehyde dehydrogenase deficiency (SSADHD). Also called: Succinic Semialdehyde Dehydrogenase Deficiency; SSADH DEFICIENCY; GABA METABOLIC DEFECT; 4-HYDROXYBUTYRIC ACIDURIA. Identifiers: Orphanet 22, MedGen C0268631, MONDO:0010083, OMIM 271980.

Allele frequency attached by ClinVar (database versions not stated): gnomAD exomes below 0.00001 and 0.00001; TOPMed below 0.00001; gnomAD 0.00001.
gnomAD v4.1: 7 of 1,613,976 alleles (0.00043%); highest among the groups gnomAD compares: Non-Finnish European, 0.00059%; no homozygotes.

Submissions (2):

Labcorp Genetics (formerly Invitae), Labcorp
Classification: Likely pathogenic for Succinate-semialdehyde dehydrogenase deficiency. Last evaluated: 2022-07-18. Review status: criteria provided, single submitter. Criteria: Invitae Variant Classification Sherloc (09022015). Collection method: clinical testing. Allele origin: germline.
Comment: This sequence change replaces cysteine, which is neutral and slightly polar, with tyrosine, which is neutral and polar, at codon 531 of the ALDH5A1 protein (p.Cys531Tyr). This variant is present in population databases (no rsID available, gnomAD 0.002%). This missense change has been observed in individual(s) with succinic semialdehyde dehydrogenase deficiency (PMID: 32395407, 32402538). ClinVar contains an entry for this variant (Variation ID: 1419591). Advanced modeling of protein sequence and biophysical properties (such as structural, functional, and spatial information, amino acid conservation, physicochemical variation, residue mobility, and thermodynamic stability) performed at Invitae indicates that this missense variant is expected to disrupt ALDH5A1 protein function. Experimental studies have shown that this missense change affects ALDH5A1 function (PMID: 32395407, 32402538). In summary, the currently available evidence indicates that the variant is pathogenic, but additional data are needed to prove that conclusively. Therefore, this variant has been classified as Likely Pathogenic.

Elsea Laboratory, Baylor College of Medicine
Classification: Pathogenic for Succinate-semialdehyde dehydrogenase deficiency. Last evaluated: 2021-03-08. Review status: criteria provided, single submitter. Criteria: Martin et al. (J Child Neurol. 2021). Collection method: curation. Allele origin: germline. Affected: yes.
Comment: deficient enzyme activity; oligomerization domain of the protein

Literature cited by the submitters: PubMed 32395407 (cited by Labcorp Genetics (formerly Invitae), Labcorp and Elsea Laboratory, Baylor College of Medicine); PubMed 32402538 (cited by Labcorp Genetics (formerly Invitae), Labcorp and Elsea Laboratory, Baylor College of Medicine); PubMed 33203024 (cited by Elsea Laboratory, Baylor College of Medicine).

NM_001080.3(ALDH5A1):c.1592G>A (p.Cys531Tyr)

Gene: ALDH5A1 (aldehyde dehydrogenase 5 family member A1; plus strand). Cytogenetic location: 6p22.3.
Variant type: single nucleotide variant.
Coding change: c.1592G>A on transcript NM_001080.3 (MANE Select); coding-DNA position 1592, G replaced by A.
Protein change: p.Cys531Tyr; replaces cysteine 531 with tyrosine.
Molecular consequence: missense variant.
Genome position (GRCh38, 1-based): chr6:24,533,696, G>A. VCF-style: chr6-24533696-G-A. GRCh37 (hg19) VCF-style: chr6-24533924-G-A.
Other names: c.1448G>A, p.Cys483Tyr (NM_001368954.1); c.1631G>A, p.Cys544Tyr (NM_170740.1); short protein forms C483Y, C531Y, C544Y.
Identifiers: ClinVar variation 1419591 (VCV001419591.10), dbSNP rs953870735, ClinGen allele CA136113856.